The following is an entry in ClinVar:

NM_033118.4(MYLK2):c.1424+6C>G

Gene: MYLK2 (myosin light chain kinase 2; plus strand). Cytogenetic location: 20q11.21.
Variant type: single nucleotide variant.
Coding change: c.1424+6C>G on transcript NM_033118.4 (MANE Select); 6 bases into the intron after coding-DNA position 1424, C replaced by G.
Molecular consequence: intron variant.
Genome position (GRCh38, 1-based): chr20:31,831,147, C>G. VCF-style: chr20-31831147-C-G. GRCh37 (hg19) VCF-style: chr20-30418950-C-G.
Identifiers: ClinVar variation 2109790 (VCV002109790.4), dbSNP rs2515460451, ClinGen allele CA2580098067.

ClinVar aggregate classification (germline): Uncertain significance (1 of 4 stars; one submission).

Conditions:
Hypertrophic cardiomyopathy 1 (CMH1). Also called: Familial hypertrophic cardiomyopathy 1; MYH7-Related Familial Hypertrophic Cardiomyopathy. Identifiers: MedGen C3495498, MONDO:0008647, OMIM 192600.

Submission:

Labcorp Genetics (formerly Invitae), Labcorp
Classification: Uncertain significance for Hypertrophic cardiomyopathy 1. Last evaluated: 2025-03-09. Review status: criteria provided, single submitter. Criteria: Invitae Variant Classification Sherloc (09022015). Collection method: clinical testing. Allele origin: germline.
Comment: This sequence change falls in intron 10 of the MYLK2 gene. It does not directly change the encoded amino acid sequence of the MYLK2 protein. It affects a nucleotide within the consensus splice site. This variant is not present in population databases (gnomAD no frequency). This variant has not been reported in the literature in individuals affected with MYLK2-related conditions. ClinVar contains an entry for this variant (Variation ID: 2109790). Variants that disrupt the consensus splice site are a relatively common cause of aberrant splicing (PMID: 17576681, 9536098). Algorithms developed to predict the effect of sequence changes on RNA splicing suggest that this variant may disrupt the consensus splice site. In summary, the available evidence is currently insufficient to determine the role of this variant in disease. Therefore, it has been classified as a Variant of Uncertain Significance.

Literature cited by the submitters: PubMed 17576681; PubMed 9536098.